The following is an entry in ClinVar:

NM_032040.5(CCDC8):c.1198G>C (p.Gly400Arg)

Gene: CCDC8 (coiled-coil domain containing 8; minus strand). Cytogenetic location: 19q13.32.
Variant type: single nucleotide variant.
Coding change: c.1198G>C on transcript NM_032040.5 (MANE Select); coding-DNA position 1198, G replaced by C.
Protein change: p.Gly400Arg; replaces glycine 400 with arginine.
Molecular consequence: missense variant.
Genome position (GRCh38, 1-based): chr19:46,411,613, C>G on the plus strand (G>C on the coding strand, the complement: CCDC8 is on the minus strand). VCF-style: chr19-46411613-C-G. GRCh37 (hg19) VCF-style: chr19-46914870-C-G.
Other names: short protein forms G400R.
Identifiers: ClinVar variation 2682413 (VCV002682413.1), dbSNP rs2147431466, ClinGen allele CA406459572.

ClinVar aggregate classification (germline): Uncertain significance (1 of 4 stars; one submission).

Submission:

Women's Health and Genetics/Laboratory Corporation of America, LabCorp
Classification: Uncertain significance. Last evaluated: 2023-11-08. Review status: criteria provided, single submitter. Criteria: LabCorp Variant Classification Summary - May 2015. Collection method: clinical testing. Allele origin: germline.
Comment: Variant summary: CCDC8 c.1198G>C (p.Gly400Arg) results in a non-conservative amino acid change in the encoded protein sequence. Four of five in-silico tools predict a benign effect of the variant on protein function. The variant was absent in 251478 control chromosomes. The available data on variant occurrences in the general population are insufficient to allow any conclusion about variant significance. To our knowledge, no occurrence of c.1198G>C in individuals affected with Three M Syndrome 3 and no experimental evidence demonstrating its impact on protein function have been reported. No submitters have cited clinical-significance assessments for this variant to ClinVar after 2014. Based on the evidence outlined above, the variant was classified as uncertain significance.